The following is an entry in ClinVar:

ClinVar aggregate classification (germline): Likely benign (0 of 4 stars; one submission).

Conditions:
MEG3-related disorder. Also called: MEG3-related condition.

Allele frequency attached by ClinVar (database versions not stated): 1000 Genomes Project 0.00060; 1000 Genomes Project 30x 0.00062; gnomAD exomes 0.00820.
gnomAD v4.1: 200 of 152,442 alleles (0.13%); highest among the groups gnomAD compares: Non-Finnish European, 0.18%; 2 homozygotes.

Submission:

PreventionGenetics, part of Exact Sciences
Classification: Likely benign for MEG3-related condition. Last evaluated: 2023-03-19. Review status: no assertion criteria provided. Collection method: clinical testing. Allele origin: germline.
Comment: This variant is classified as likely benign based on ACMG/AMP sequence variant interpretation guidelines (Richards et al. 2015 PMID: 25741868, with internal and published modifications).

NR_046473.1(MEG3):n.6629C>T

Gene: MEG3 (maternally expressed 3; plus strand). Cytogenetic location: 14q32.2.
Variant type: single nucleotide variant.
Molecular consequence: non-coding transcript variant (on NR_046473.1).
Genome position: GRCh38 VCF-style: chr14-100851245-C-T. GRCh37 (hg19) VCF-style: chr14-101317582-C-T.
Identifiers: ClinVar variation 3045089 (VCV003045089.2), dbSNP rs538583590, ClinGen allele CA266870601.